The following is an entry in ClinVar:

ClinVar aggregate classification (germline): Benign/Likely benign. Review status: criteria provided, multiple submitters, no conflicts (2 of 4 stars). 7 submissions from 7 submitters: Benign (1); Likely benign (5). 1 of the submissions does not count toward it. Last evaluated 2026-01-04.

Conditions:
Pancreatic cancer, susceptibility to, 3. Identifiers: Orphanet 1333, MedGen C3150547, MONDO:0013236, OMIM 613348.
Familial cancer of breast. Also called: hereditary breast carcinoma; Hereditary breast cancer; BREAST CANCER, FAMILIAL. Identifiers: Orphanet 227535, MedGen C0346153, MONDO:0016419, OMIM 114480. Disease mechanism: loss of function.
Fanconi anemia complementation group N. Also called: PALB2-Related Fanconi Anemia. Identifiers: Orphanet 84, MedGen C1835817, MONDO:0012565, OMIM 610832. Disease mechanism: loss of function.
Hereditary cancer-predisposing syndrome. Also called: Neoplastic Syndromes, Hereditary; Hereditary Cancer Syndrome; Hereditary neoplastic syndrome; Tumor predisposition. Identifiers: Orphanet 140162, MedGen C0027672, MeSH D009386, MONDO:0015356.

Submissions (7):

Labcorp Genetics (formerly Invitae), Labcorp
Classification: Likely benign for Familial cancer of breast. Last evaluated: 2026-01-04. Review status: criteria provided, single submitter. Criteria: Invitae Variant Classification Sherloc (09022015). Collection method: clinical testing. Allele origin: germline.

Blueprint Genetics
Classification: Likely benign. Last evaluated: 2023-06-30. Review status: criteria provided, single submitter. Criteria: ACMG Guidelines, 2015. Collection method: clinical testing. Allele origin: germline.

Myriad Genetics, Inc.
Classification: Benign for Familial cancer of breast. Last evaluated: 2023-03-30. Review status: criteria provided, single submitter. Criteria: Myriad Autosomal Dominant, Autosomal Recessive and X-Linked Classification Criteria (2023). Collection method: clinical testing. Allele origin: unknown.
Comment: This variant is considered benign. This variant is a silent/synonymous amino acid change and it is not expected to impact splicing.

Fulgent Genetics
Classification: Likely benign for Familial cancer of breast; Fanconi anemia complementation group N; Pancreatic cancer, susceptibility to, 3. Last evaluated: 2022-03-30. Review status: criteria provided, single submitter. Criteria: ACMG Guidelines, 2015. Collection method: clinical testing. Allele origin: unknown.

Ambry Genetics
Classification: Likely benign for Hereditary cancer-predisposing syndrome. Last evaluated: 2016-10-10. Review status: criteria provided, single submitter. Criteria: Ambry Variant Classification Scheme 2023. Collection method: clinical testing. Allele origin: germline.

Color Diagnostics, LLC DBA Color Health
Classification: Likely benign for Hereditary cancer-predisposing syndrome. Last evaluated: 2016-04-26. Review status: criteria provided, single submitter. Criteria: ACMG Guidelines, 2015. Collection method: clinical testing. Allele origin: germline.

Counsyl
Classification: Likely benign for Familial cancer of breast. Last evaluated: 2018-04-09. Review status: no assertion criteria provided. Collection method: clinical testing. Allele origin: unknown. Not counted in ClinVar's aggregate classification.

NM_024675.4(PALB2):c.18G>A (p.Gly6=)

Gene: PALB2 (partner and localizer of BRCA2; minus strand). Cytogenetic location: 16p12.2.
Variant type: single nucleotide variant.
Coding change: c.18G>A on transcript NM_024675.4 (MANE Select); coding-DNA position 18, G replaced by A.
Protein change: p.Gly6=; no amino-acid change (glycine 6 retained).
Molecular consequence: synonymous variant.
Genome position (GRCh38, 1-based): chr16:23,641,140, C>T on the plus strand (G>A on the coding strand, the complement: PALB2 is on the minus strand). VCF-style: chr16-23641140-C-T. GRCh37 (hg19) VCF-style: chr16-23652461-C-T.
Identifiers: ClinVar variation 460917 (VCV000460917.22), dbSNP rs587782462, ClinGen allele CA494168484.
Genomic context (GRCh38, chr16:23,641,140, plus strand): 5'-CTGCGTCCGCCCTTCCCGCACCCCCGGCACCTTTTCCTTCTCCTCACAGCTGAGGGGCTT[C>T]CCGGGAGGCTCGTCCATCGGGCAGGCGACAGAACGAAAAGAGCAGCCGTCGCCGACCCCA-3'
Protein context (NP_078951.2, residues 1-16): MDEPP[Gly6=]KPLSCEEKEK